The following is an entry in ClinVar:

ClinVar aggregate classification (germline): Benign/Likely benign. Review status: criteria provided, multiple submitters, no conflicts (2 of 4 stars). 3 submissions from 3 submitters: Benign (1); Likely benign (2). Last evaluated 2026-06-17.

Conditions:
Polyps, multiple and recurrent inflammatory fibroid, gastrointestinal. Identifiers: MedGen C5193005, MONDO:0008285, OMIM 175510.
Gastrointestinal stromal tumor. Also called: Gastrointestinal stromal tumor, somatic; Gastrointestinal stroma tumor. Identifiers: Orphanet 44890, MedGen C0238198, MeSH D046152, MONDO:0011719, OMIM 606764, HP:0100723.
Hereditary cancer-predisposing syndrome. Also called: Neoplastic Syndromes, Hereditary; Hereditary Cancer Syndrome; Hereditary neoplastic syndrome; Tumor predisposition. Identifiers: Orphanet 140162, MedGen C0027672, MeSH D009386, MONDO:0015356.

Allele frequency attached by ClinVar (database versions not stated): gnomAD exomes below 0.00001 and 0.00007; ExAC 0.00001; gnomAD 0.00001; TOPMed 0.00002.
gnomAD v4.1: 93 of 1,614,054 alleles (0.0058%); highest among the groups gnomAD compares: Non-Finnish European, 0.0079%; no homozygotes.

Submissions (3):

Myriad Genetics, Inc.
Classification: Benign for Polyps, multiple and recurrent inflammatory fibroid, gastrointestinal. Last evaluated: 2026-06-17. Review status: criteria provided, single submitter. Criteria: Myriad Autosomal Dominant, Autosomal Recessive and X-Linked Classification Criteria (2023). Collection method: clinical testing. Allele origin: unknown.
Comment: This variant is considered benign. This variant is a silent/synonymous amino acid change and it is not expected to impact splicing.

Labcorp Genetics (formerly Invitae), Labcorp
Classification: Likely benign for Gastrointestinal stromal tumor. Last evaluated: 2025-12-03. Review status: criteria provided, single submitter. Criteria: Invitae Variant Classification Sherloc (09022015). Collection method: clinical testing. Allele origin: germline.

Ambry Genetics
Classification: Likely benign for Hereditary cancer-predisposing syndrome. Last evaluated: 2019-08-04. Review status: criteria provided, single submitter. Criteria: Ambry Variant Classification Scheme 2023. Collection method: clinical testing. Allele origin: germline.

NM_006206.6(PDGFRA):c.2523A>G (p.Arg841=)

Gene: PDGFRA (platelet derived growth factor receptor alpha; plus strand). Cytogenetic location: 4q12.
Variant type: single nucleotide variant.
Coding change: c.2523A>G on transcript NM_006206.6 (MANE Select); coding-DNA position 2523, A replaced by G.
Protein change: p.Arg841=; no amino-acid change (arginine 841 retained).
Molecular consequence: synonymous variant.
Genome position (GRCh38, 1-based): chr4:54,285,924, A>G. VCF-style: chr4-54285924-A-G. GRCh37 (hg19) VCF-style: chr4-55152091-A-G.
Other names: c.2598A>G, p.Arg866= (NM_001347828.2); c.2523A>G, p.Arg841= (NM_001347829.2); c.2562A>G, p.Arg854= (NM_001347830.2).
Identifiers: ClinVar variation 704017 (VCV000704017.16), dbSNP rs752684264, ClinGen allele CA2922880.